The following is an entry in ClinVar:

ClinVar aggregate classification (germline): Uncertain significance. Review status: criteria provided, multiple submitters, no conflicts (2 of 4 stars). 4 submissions from 4 submitters: Uncertain significance (3). 1 of the submissions does not count toward it. Last evaluated 2025-03-05.

Conditions:
Inborn genetic diseases. Identifiers: MedGen C0950123, MeSH D030342.
Autosomal recessive limb-girdle muscular dystrophy type 2E (LGMDR4). Also called: MUSCULAR DYSTROPHY, LIMB-GIRDLE, AUTOSOMAL RECESSIVE 4. Identifiers: Orphanet 119, MedGen C1858593, MONDO:0011423, OMIM 604286. Disease mechanism: Affects gamma-sarcoglycan and also disrupts the integrity of the entire sarcoglycan complex..

Allele frequency attached by ClinVar (database versions not stated): gnomAD exomes 0.00001; TOPMed 0.00001; ExAC 0.00002; ESP Exome Variant Server 0.00008.
gnomAD v4.1: 14 of 1,612,634 alleles (0.00087%); highest among the groups gnomAD compares: Admixed American, 0.0017%; no homozygotes.

Submissions (4):

GeneDx
Classification: Uncertain significance. Last evaluated: 2025-03-05. Review status: criteria provided, single submitter. Criteria: GeneDx Variant Classification Process June 2021. Collection method: clinical testing. Allele origin: germline. Affected: yes.
Comment: Not observed at significant frequency in large population cohorts (gnomAD); Missense variants in this gene are a common cause of disease and they are underrepresented in the general population; In silico analysis indicates that this missense variant does not alter protein structure/function; Has not been previously published as pathogenic or benign to our knowledge; This variant is associated with the following publications: (PMID: 19781108)

Ambry Genetics
Classification: Uncertain significance for Inborn genetic diseases. Last evaluated: 2023-09-20. Review status: criteria provided, single submitter. Criteria: Ambry Variant Classification Scheme 2023. Collection method: clinical testing. Allele origin: germline.

Labcorp Genetics (formerly Invitae), Labcorp
Classification: Uncertain significance for Autosomal recessive limb-girdle muscular dystrophy type 2E. Last evaluated: 2022-02-05. Review status: criteria provided, single submitter. Criteria: Invitae Variant Classification Sherloc (09022015). Collection method: clinical testing. Allele origin: germline.
Comment: This sequence change replaces isoleucine, which is neutral and non-polar, with valine, which is neutral and non-polar, at codon 82 of the SGCB protein (p.Ile82Val). This variant is present in population databases (rs143106297, gnomAD 0.007%). This variant has not been reported in the literature in individuals affected with SGCB-related conditions. ClinVar contains an entry for this variant (Variation ID: 450609). Algorithms developed to predict the effect of missense changes on protein structure and function output the following: SIFT: "Tolerated"; PolyPhen-2: "Benign"; Align-GVGD: "Class C15". The valine amino acid residue is found in multiple mammalian species, which suggests that this missense change does not adversely affect protein function. Algorithms developed to predict the effect of sequence changes on RNA splicing suggest that this variant may create or strengthen a splice site. In summary, the available evidence is currently insufficient to determine the role of this variant in disease. Therefore, it has been classified as a Variant of Uncertain Significance.

Natera, Inc.
Classification: Uncertain significance for Limb-girdle muscular dystrophy type 2E. Last evaluated: 2021-01-06. Review status: no assertion criteria provided. Collection method: clinical testing. Allele origin: germline. Not counted in ClinVar's aggregate classification.

NM_000232.5(SGCB):c.244A>G (p.Ile82Val)

Gene: SGCB (sarcoglycan beta; minus strand). Cytogenetic location: 4q12.
Variant type: single nucleotide variant.
Coding change: c.244A>G on transcript NM_000232.5 (MANE Select); coding-DNA position 244, A replaced by G.
Protein change: p.Ile82Val; replaces isoleucine 82 with valine.
Molecular consequence: missense variant.
Genome position (GRCh38, 1-based): chr4:52,029,863, T>C on the plus strand (A>G on the coding strand, the complement: SGCB is on the minus strand). VCF-style: chr4-52029863-T-C. GRCh37 (hg19) VCF-style: chr4-52896029-T-C.
Other names: short protein forms I82V.
Identifiers: ClinVar variation 450609 (VCV000450609.9), dbSNP rs143106297, ClinGen allele CA2918452.